The following is an entry in ClinVar:

ClinVar aggregate classification (germline): Uncertain significance (1 of 4 stars; one submission).

Conditions:
Duchenne muscular dystrophy (DMD). Also called: MUSCULAR DYSTROPHY, PSEUDOHYPERTROPHIC PROGRESSIVE, DUCHENNE TYPE; Duchenne Muscular Dystrophy (DMD). Identifiers: Orphanet 98896, MedGen C0013264, MONDO:0010679, OMIM 310200.

Submission:

Labcorp Genetics (formerly Invitae), Labcorp
Classification: Uncertain significance for Duchenne muscular dystrophy. Last evaluated: 2022-06-07. Review status: criteria provided, single submitter. Criteria: Invitae Variant Classification Sherloc (09022015). Collection method: clinical testing. Allele origin: germline.
Comment: In summary, the available evidence is currently insufficient to determine the role of this variant in disease. Therefore, it has been classified as a Variant of Uncertain Significance. Algorithms developed to predict the effect of missense changes on protein structure and function (SIFT, PolyPhen-2, Align-GVGD) all suggest that this variant is likely to be disruptive. This variant has not been reported in the literature in individuals affected with DMD-related conditions. This variant is not present in population databases (gnomAD no frequency). This sequence change replaces glutamic acid, which is acidic and polar, with alanine, which is neutral and non-polar, at codon 746 of the DMD protein (p.Glu746Ala).

NM_004006.3(DMD):c.2237A>C (p.Glu746Ala)

Gene: DMD (dystrophin; minus strand). Cytogenetic location: Xp21.1.
Variant type: single nucleotide variant.
Coding change: c.2237A>C on transcript NM_004006.3 (MANE Select); coding-DNA position 2237, A replaced by C.
Protein change: p.Glu746Ala; replaces glutamic acid 746 with alanine.
Molecular consequence: missense variant.
Genome position (GRCh38, 1-based): chrX:32,518,063, T>G on the plus strand (A>C on the coding strand, the complement: DMD is on the minus strand). VCF-style: chrX-32518063-T-G. GRCh37 (hg19) VCF-style: chrX-32536180-T-G.
Other names: c.2213A>C, p.Glu738Ala (NM_000109.4); c.2225A>C, p.Glu742Ala (NM_004009.3); c.1868A>C, p.Glu623Ala (NM_004010.3); short protein forms E738A, E746A, E742A, E623A.
Identifiers: ClinVar variation 2003140 (VCV002003140.4), dbSNP rs2525546428, ClinGen allele CA412663879.